The following is an entry in ClinVar:

ClinVar aggregate classification (germline): Uncertain significance (1 of 4 stars; one submission).

Conditions:
CHARGE syndrome (CHARGE). Also called: Hittner Hirsch Kreh syndrome; CHARGE ASSOCIATION--COLOBOMA, HEART ANOMALY, CHOANAL ATRESIA, RETARDATION, GENITAL AND EAR ANOMALIES; Coloboma, heart anomaly, choanal atresia, retardation, genital and ear anomalies; CHARGE association; Hall-Hittner syndrome. Identifiers: Orphanet 138, MedGen C0265354, MONDO:0008965.

gnomAD v4.1: 8 of 1,613,758 alleles (0.0005%); highest among the groups gnomAD compares: South Asian, 0.0033%; no homozygotes.

Submission:

Neuberg Centre For Genomic Medicine, NCGM
Classification: Uncertain significance for CHD7-related CHARGE syndrome. Last evaluated: 2023-05-20. Review status: criteria provided, single submitter. Criteria: ACMG Guidelines, 2015. Collection method: clinical testing. Allele origin: germline. Inheritance: Autosomal dominant inheritance. Affected: yes.
Comment: The observed missense c.573C>G (p.Ser191Arg) variant in CHD7 gene has not been reported previously as a pathogenic variant nor as a benign variant, to our knowledge. The p.Ser191Arg variant is present with allele frequency of 0.002% in gnomAD Exomes. This variant has not been submitted to the ClinVar database. Computational evidence (Polyphen - Benign, SIFT - Damaging and MutationTaster - Disease causing) predicts conflicting evidence on protein structure and function for this variant. The reference amino acid of p.Ser191Arg in CHD7 is predicted as conserved by GERP++ and PhyloP across 100 vertebrates. The amino acid Ser at position 191 is changed to a Arg changing protein sequence and it might alter its composition and physico-chemical properties. For these reasons, this variant has been classified as a Variant of Uncertain Significance (VUS).

NM_017780.4(CHD7):c.573C>G (p.Ser191Arg)

Gene: CHD7 (chromodomain helicase DNA binding protein 7; plus strand). Cytogenetic location: 8q12.2.
Variant type: single nucleotide variant.
Coding change: c.573C>G on transcript NM_017780.4 (MANE Select); coding-DNA position 573, C replaced by G.
Protein change: p.Ser191Arg; replaces serine 191 with arginine.
Molecular consequence: missense variant.
Genome position (GRCh38, 1-based): chr8:60,742,005, C>G. VCF-style: chr8-60742005-C-G. GRCh37 (hg19) VCF-style: chr8-61654564-C-G.
Other names: c.573C>G, p.Ser191Arg (NM_001316690.1); short protein forms S191R.
Identifiers: ClinVar variation 3362340 (VCV003362340.3).
Genomic context (GRCh38, chr8:60,742,005, plus strand): 5'-GCCGGCTCCGTCGGGGCCCCCTGCACAGGGCCACCCTCAGCACATGCAGCAGATGGGCAG[C>G]TATATGGCACGTGGGGATTTTTCCATGCAGCAGCATGGTCAGCCACAGCAGAGGATGAGC-3'
Protein context (NP_060250.2, residues 181-201): GHPQHMQQMG[Ser191Arg]YMARGDFSMQ